The following is an entry in ClinVar:

ClinVar aggregate classification (germline): Conflicting classifications of pathogenicity. Review status: criteria provided, conflicting classifications (1 of 4 stars). 5 submissions from 5 submitters: Uncertain significance (2); Likely benign (3). Last evaluated 2026-01-30.

Conditions:
Inborn genetic diseases. Identifiers: MedGen C0950123, MeSH D030342.
Autosomal recessive severe congenital neutropenia due to G6PC3 deficiency. Also called: G6PC3 Deficiency; NEUTROPENIA, SEVERE CONGENITAL, 4, AUTOSOMAL RECESSIVE. Identifiers: Orphanet 331176, MedGen C2751630, MONDO:0012930, OMIM 612541.

Allele frequency attached by ClinVar (database versions not stated): TOPMed 0.00001; ExAC 0.00002; gnomAD 0.00002; gnomAD exomes 0.00002; ESP Exome Variant Server 0.00008.
gnomAD v4.1: 29 of 1,613,500 alleles (0.0018%); highest among the groups gnomAD compares: Non-Finnish European, 0.0024%; no homozygotes.

Submissions (5):

Labcorp Genetics (formerly Invitae), Labcorp
Classification: Likely benign for Autosomal recessive severe congenital neutropenia due to G6PC3 deficiency. Last evaluated: 2026-01-30. Review status: criteria provided, single submitter. Criteria: Invitae Variant Classification Sherloc (09022015). Collection method: clinical testing. Allele origin: germline.

Ambry Genetics
Classification: Likely benign for Inborn genetic diseases. Last evaluated: 2024-11-25. Review status: criteria provided, single submitter. Criteria: Ambry Variant Classification Scheme 2023. Collection method: clinical testing. Allele origin: germline.

Blueprint Genetics
Classification: Likely benign. Last evaluated: 2024-10-17. Review status: criteria provided, single submitter. Criteria: ACMG Guidelines, 2015. Collection method: clinical testing. Allele origin: germline.

Center for Genomics, Ann and Robert H. Lurie Children's Hospital of Chicago
Classification: Uncertain significance for Autosomal recessive severe congenital neutropenia due to G6PC3 deficiency. Last evaluated: 2021-03-30. Review status: criteria provided, single submitter. Criteria: ACMG Guidelines, 2015. Collection method: clinical testing. Allele origin: germline.
Comment: G6PC3 NM_138387.3 exon 1 p.Leu67Leu (c.201C>T): This variant has not been reported in the literature but is present in 6/111326 European alleles in the Genome Aggregation Database. This variant is present in ClinVar (Variation ID:323461). Evolutionary conservation and computational predictive tools for this variant are limited or unavailable. Of note, this variant is a silent variant and does not change the amino acid, reducing the probability that this variant is disease causing. In summary, data on this variant is insufficient for disease classification. Therefore, the clinical significance of this variant is uncertain.

Illumina Laboratory Services, Illumina
Classification: Uncertain significance for Autosomal recessive severe congenital neutropenia due to G6PC3 deficiency. Last evaluated: 2018-01-13. Review status: criteria provided, single submitter. Criteria: ICSL Variant Classification Criteria 13 December 2019. Collection method: clinical testing. Allele origin: germline.

NM_138387.4(G6PC3):c.201C>T (p.Leu67=)

Genes: G6PC3 (glucose-6-phosphatase catalytic subunit 3; plus strand), LOC130060959 (ATAC-STARR-seq lymphoblastoid active region 12250; plus strand). Cytogenetic location: 17q21.31.
Variant type: single nucleotide variant.
Coding change: c.201C>T on transcript NM_138387.4 (MANE Select); coding-DNA position 201, C replaced by T.
Protein change: p.Leu67=; no amino-acid change (leucine 67 retained).
Molecular consequence: synonymous variant. On other transcripts: 5 prime UTR variant (3), intron variant (1).
Genome position (GRCh38, 1-based): chr17:44,071,166, C>T. VCF-style: chr17-44071166-C-T. GRCh37 (hg19) VCF-style: chr17-42148534-C-T.
Other names: c.201C>T, p.Leu67= (NM_001319945.2); c.-204C>T (NM_001384165.1); c.-339C>T (NM_001384166.1); c.-329C>T (NM_001384167.1); c.-312+452C>T (NM_001384168.1).
Identifiers: ClinVar variation 323461 (VCV000323461.20), dbSNP rs375273894, ClinGen allele CA8595904.
Genomic context (GRCh38, chr17:44,071,166, plus strand): 5'-CTACGCCTCCCGCCGTGTGGGCATCGCGGTGCTCTGGATCAGCCTCATCACCGAGTGGCT[C>T]AACCTCATCTTCAAGTGGTGAGACAGAGAAGCCCTCCGGCATCCTGGTCCCCACCCCCGA-3'
Protein context (NP_612396.1, residues 57-77): VLWISLITEW[Leu67=]NLIFKWFLFG